The following is an entry in ClinVar:

NM_020719.3(PRR12):c.5382C>T (p.Pro1794=)

Gene: PRR12 (proline rich 12; plus strand). Cytogenetic location: 19q13.33.
Variant type: single nucleotide variant.
Coding change: c.5382C>T on transcript NM_020719.3 (MANE Select); coding-DNA position 5382, C replaced by T.
Protein change: p.Pro1794=; no amino-acid change (proline 1794 retained).
Molecular consequence: synonymous variant.
Genome position (GRCh38, 1-based): chr19:49,616,104, C>T. VCF-style: chr19-49616104-C-T. GRCh37 (hg19) VCF-style: chr19-50119361-C-T.
Identifiers: ClinVar variation 2650271 (VCV002650271.24), dbSNP rs192948887, ClinGen allele CA9578678.

ClinVar aggregate classification (germline): Benign (1 of 4 stars; one submission).

Allele frequency attached by ClinVar (database versions not stated): 1000 Genomes Project 0.00280; 1000 Genomes Project 30x 0.00328; ESP Exome Variant Server 0.00601; TOPMed 0.00754; gnomAD 0.00803; gnomAD exomes 0.01196; ExAC 0.01430.
gnomAD v4.1: 17,986 of 1,566,526 alleles (1.1%); highest among the groups gnomAD compares: Non-Finnish European, 1.4%; 122 homozygotes.

Submission:

CeGaT Center for Human Genetics Tuebingen
Classification: Benign. Last evaluated: 2026-09-01. Review status: criteria provided, single submitter. Criteria: CeGaT Center For Human Genetics Tuebingen Variant Classification Criteria Version 2. Collection method: clinical testing. Allele origin: germline. Affected: yes. Observed: 19 variant alleles.
Comment: PRR12: BP4, BP7, BS1, BS2